The following is an entry in ClinVar:

NM_001354712.2(THRB):c.727C>T (p.Arg243Trp)

Genes: THRB (thyroid hormone receptor beta; minus strand), LOC126806630 (CDK7 strongly-dependent group 2 enhancer GRCh37_chr3:24184437-24185636; plus strand). Cytogenetic location: 3p24.2.
Variant type: single nucleotide variant.
Coding change: c.727C>T on transcript NM_001354712.2 (MANE Select); coding-DNA position 727, C replaced by T.
Protein change: p.Arg243Trp; replaces arginine 243 with tryptophan.
Molecular consequence: missense variant.
Genome position (GRCh38, 1-based): chr3:24,143,512, G>A on the plus strand (C>T on the coding strand, the complement: THRB is on the minus strand). VCF-style: chr3-24143512-G-A. GRCh37 (hg19) VCF-style: chr3-24185003-G-A.
Other names: c.727C>T, p.Arg243Trp (NM_000461.5, NM_001128176.3, NM_001128177.2 and 6 more transcripts); c.634C>T, p.Arg212Trp (NM_001354714.2, NM_001354715.2); short protein forms R243W, R212W.
Identifiers: ClinVar variation 12567 (VCV000012567.17), dbSNP rs121918707, ClinGen allele CA122511.

ClinVar aggregate classification (germline): Pathogenic. Review status: criteria provided, multiple submitters, no conflicts (2 of 4 stars). 9 submissions from 9 submitters: Pathogenic (7). 2 of the submissions do not count toward it. Last evaluated 2025-08-06.

Conditions:
THRB-related disorder. Also called: THRB-related condition.
Hyperthyroidism. Identifiers: MedGen C0020550, MONDO:0004425, HP:0000836.
Thyroid hormone resistance, generalized, autosomal dominant (GRTHD). Also called: HYPERTHYROXINEMIA, FAMILIAL EUTHYROID, SECONDARY TO PITUITARY AND PERIPHERAL RESISTANCE TO THYROID HORMONES. Identifiers: MedGen C2937288, MONDO:0008569, OMIM 188570.

Allele frequency attached by ClinVar (database versions not stated): 1000 Genomes Project 30x 0.00016; TOPMed below 0.00001; gnomAD exomes below 0.00001; gnomAD 0.00001.

Submissions (9):

Cambridge Genomics Laboratory, East Genomic Laboratory Hub, NHS Genomic Medicine Service
Classification: Pathogenic for Hyperthyroidism. Last evaluated: 2025-08-06. Review status: criteria provided, single submitter. Criteria: ACGS Best Practice Guidelines for Variant Classification in Rare Disease 2020. Collection method: clinical testing. Allele origin: germline. Affected: yes.
Comment: PS3_Moderate,PS4_Moderate,PM1_Supporting,PM2_Supporting,PM5,PP1_Strong,PP3,PP4_Moderate

PreventionGenetics, part of Exact Sciences
Classification: Pathogenic for THRB-related condition. Last evaluated: 2025-02-28. Review status: criteria provided, single submitter. Criteria: ACMG Guidelines, 2015. Collection method: clinical testing. Allele origin: germline.
Comment: The THRB c.727C>T variant is predicted to result in the amino acid substitution p.Arg243Trp. This variant has been reported in multiple unrelated heterozygous individuals with thyroid hormone resistance. Functional studies also indicate an impact on protein function (Pohlenz et al. 1996. PubMed ID: 8664910; Pajek et al. 2020. PubMed ID:33333891; Safer et al. 1998. PubMed ID: 9804773; Shi et al. 2014. PubMed ID: 24174637). This variant is reported in 0.0065% of alleles in individuals of European (Non-Finnish) descent in gnomAD. This variant is interpreted as pathogenic.

Quest Diagnostics Nichols Institute San Juan Capistrano
Classification: Pathogenic. Last evaluated: 2024-12-18. Review status: criteria provided, single submitter. Criteria: Quest Diagnostics criteria. Collection method: clinical testing. Allele origin: unknown.
Comment: The THRB c.727C>T (p.Arg243Trp) variant has been reported in the published literature in individuals with resistance to thyroid hormone (RTH) (PMIDs: 9141558 (1997), 9707435 (1998), 20237409 (2010), 23457315 (2013), 26425626 (2014), 33333891 (2020)), and was found to segregate with disease in one RTH family (PMID: 8664910 (1996)). Experimental studies done in vitro and in vivo report this variant is damaging to protein function by a dominant negative effect that impairs T3 binding and transcriptional activation, as well as increases thyroid hormone receptor sensitivity, RTH severity, and resistance to T3 (PMIDs: 9141558 (1997), 9707435 (1998), 9804773 (1998), 20237409 (2010), 24174637 (2014), 26425626 (2014)). The frequency of this variant in the general population (Genome Aggregation Database) is consistent with pathogenicity. Analysis of this variant using bioinformatics tools for the prediction of the effect of amino acid changes on protein structure and function yielded predictions that this variant is damaging. Based on the available information, this variant is classified as pathogenic.

Women's Health and Genetics/Laboratory Corporation of America, LabCorp
Classification: Pathogenic for Thyroid hormone resistance, generalized, autosomal dominant. Last evaluated: 2024-02-07. Review status: criteria provided, single submitter. Criteria: LabCorp Variant Classification Summary - May 2015. Collection method: clinical testing. Allele origin: germline.
Comment: Variant summary: THRB c.727C>T (p.Arg243Trp) results in a non-conservative amino acid change located in the Nuclear hormone receptor, ligand-binding domain (IPR000536) of the encoded protein sequence. Five of five in-silico tools predict a damaging effect of the variant on protein function. The variant was absent in 250638 control chromosomes. c.727C>T has been reported in the literature in multiple individuals affected with Thyroid Hormone Resistance, Generalized, Autosomal Dominant (Pohlenz_1996, Glymph_2014, Pajek_2020) and observed to segregate with disease. These data indicate that the variant is very likely to be associated with disease. At least one publication reports experimental evidence evaluating an impact on protein function indicate a significant affect on protein function (Shi_2014, Safer_1998). The following publications have been ascertained in the context of this evaluation (PMID: 33333891, 8664910, 9804773, 24174637, 26425626).ClinVar contains an entry for this variant (Variation ID: 12567). Based on the evidence outlined above, the variant was classified as pathogenic.

GeneDx
Classification: Pathogenic. Last evaluated: 2024-01-21. Review status: criteria provided, single submitter. Criteria: GeneDx Variant Classification Process June 2021. Collection method: clinical testing. Allele origin: germline. Affected: yes.
Comment: Not observed at significant frequency in large population cohorts (gnomAD); In silico analysis supports that this missense variant has a deleterious effect on protein structure/function; This variant is associated with the following publications: (PMID: 9141558, 9804773, 20237409, 26425626, 8664910, 33333891, 24174637, 26041374)

Blueprint Genetics
Classification: Pathogenic for THRB-related disorders. Last evaluated: 2022-09-08. Review status: criteria provided, single submitter. Criteria: ACMG Guidelines, 2015. Collection method: clinical testing. Allele origin: germline. Affected: yes. Observed: 2 variant alleles.

Clinical Genetics Service, Universitary Hospital 12 de Octubre
Classification: Pathogenic for Thyroid hormone resistance, generalized, autosomal dominant. Review status: criteria provided, single submitter. Criteria: ACMG Guidelines, 2015. Collection method: clinical testing. Allele origin: germline. Affected: yes.

Clinical Molecular Genetics Laboratory, Johns Hopkins All Children's Hospital
Classification: Pathogenic for Thyroid hormone resistance, generalized, autosomal dominant. Last evaluated: 2015-09-21. Review status: no assertion criteria provided. Collection method: clinical testing. Allele origin: germline. Affected: yes. Not counted in ClinVar's aggregate classification.

OMIM
Classification: Pathogenic for THYROID HORMONE RESISTANCE, GENERALIZED, AUTOSOMAL DOMINANT. Last evaluated: 1996-01-01. Review status: no assertion criteria provided. Collection method: literature only. Allele origin: germline. Not counted in ClinVar's aggregate classification.

Literature cited by the submitters: PubMed 9707435 (cited by Quest Diagnostics Nichols Institute San Juan Capistrano); PubMed 8664910 (cited by 3 submitters); PubMed 9804773 (cited by Quest Diagnostics Nichols Institute San Juan Capistrano and Women's Health and Genetics/Laboratory Corporation of America, LabCorp); PubMed 20237409 (cited by Quest Diagnostics Nichols Institute San Juan Capistrano); PubMed 23457315 (cited by Quest Diagnostics Nichols Institute San Juan Capistrano); PubMed 26425626 (cited by Quest Diagnostics Nichols Institute San Juan Capistrano and Women's Health and Genetics/Laboratory Corporation of America, LabCorp); PubMed 24174637 (cited by Quest Diagnostics Nichols Institute San Juan Capistrano and Women's Health and Genetics/Laboratory Corporation of America, LabCorp); PubMed 33333891 (cited by Quest Diagnostics Nichols Institute San Juan Capistrano and Women's Health and Genetics/Laboratory Corporation of America, LabCorp); PubMed 9141558 (cited by Quest Diagnostics Nichols Institute San Juan Capistrano).